The following is an entry in ClinVar:

ClinVar aggregate classification (germline): Uncertain significance (1 of 4 stars; one submission).

Conditions:
Neuronopathy, distal hereditary motor, autosomal recessive 8. Also called: SORBITOL DEHYDROGENASE DEFICIENCY WITH PERIPHERAL NEUROPATHY; SORBITOL DEHYDROGENASE DEFICIENCY; NEUROPATHY, DISTAL HEREDITARY MOTOR, AUTOSOMAL RECESSIVE 8. Identifiers: Orphanet 700508, MedGen C5394466, MONDO:0030055, OMIM 618912.

Submission:

MGZ Medical Genetics Center
Classification: Uncertain significance for Neuronopathy, distal hereditary motor, autosomal recessive 8. Last evaluated: 2021-09-06. Review status: criteria provided, single submitter. Criteria: ACMG Guidelines, 2015. Collection method: clinical testing. Allele origin: germline. Affected: yes. Observed: 1 variant allele.
Comment: ACMG criteria applied: PM4, PM2_SUP

NM_003104.6(SORD):c.306TGA[1] (p.Asp103del)

Gene: SORD (sorbitol dehydrogenase; plus strand). Cytogenetic location: 15q21.1.
Variant type: Microsatellite.
Coding change: c.306TGA[1] on transcript NM_003104.6 (MANE Select); one copy of the 3-base unit TGA starting at c.306; the reference has two copies in a row; one copy, 3 bases deleted; also written c.309_311del.
Protein change: p.Asp103del; deletes aspartic acid 103.
Molecular consequence: inframe deletion. On other transcripts: non-coding transcript variant (1).
Genome position (GRCh38, 1-based): chr15:45,061,110-45,061,112, TGA deleted; deleting any 3 consecutive bases within chr15:45,061,106-45,061,112 gives the same sequence; the position shown is the placement nearest the transcript's 3' end. VCF-style (leftmost placement, unchanged base first): chr15-45061105-AATG-A. GRCh37 (hg19) VCF-style: chr15-45353303-AATG-A.
Other names: c.309_311del (NM_003104.6); short protein forms D103del.
Identifiers: ClinVar variation 1709947 (VCV001709947.2), dbSNP rs2504702071, ClinGen allele CA2580613807.